The following is an entry in ClinVar:

NM_005045.4(RELN):c.6576A>T (p.Arg2192=)

Gene: RELN (reelin; minus strand). Cytogenetic location: 7q22.1.
Variant type: single nucleotide variant.
Coding change: c.6576A>T on transcript NM_005045.4 (MANE Select); coding-DNA position 6576, A replaced by T.
Protein change: p.Arg2192=; no amino-acid change (arginine 2192 retained).
Molecular consequence: synonymous variant.
Genome position (GRCh38, 1-based): chr7:103,542,826, T>A on the plus strand (A>T on the coding strand, the complement: RELN is on the minus strand). VCF-style: chr7-103542826-T-A. GRCh37 (hg19) VCF-style: chr7-103183273-T-A.
Other names: c.6576A>T, p.Arg2192= (NM_173054.3).
Identifiers: ClinVar variation 657412 (VCV000657412.8), dbSNP rs1228407959, ClinGen allele CA457030844.
Genomic context (GRCh38, chr7:103,542,826, plus strand): 5'-CATGCGCAAGCCATCTTCATTGAAAAAGAGGTTGTTTCCACTAGAAAGGATTCCACACTT[T>A]CGAGATGGTTTCCCACCACTCATTAATAAGAATCTATCAGATTCTAGCTGACCTGAAAAA-3'
Protein context (NP_005036.2, residues 2182-2202): FLLMSGGKPS[Arg2192=]KCGILSSGNN

ClinVar aggregate classification (germline): Uncertain significance (1 of 4 stars; one submission).

Conditions:
Familial temporal lobe epilepsy 7. Identifiers: Orphanet 101046, MedGen C4225327, MONDO:0014639, OMIM 616436.
Norman-Roberts syndrome (LIS2). Also called: Lissencephaly 2 (Norman-Roberts type). Identifiers: Orphanet 89844, MedGen C0796089, MONDO:0009760, OMIM 257320.

Submission:

Labcorp Genetics (formerly Invitae), Labcorp
Classification: Uncertain significance for Familial temporal lobe epilepsy 7; Norman-Roberts syndrome. Last evaluated: 2024-02-17. Review status: criteria provided, single submitter. Criteria: Invitae Variant Classification Sherloc (09022015). Collection method: clinical testing. Allele origin: germline.
Comment: This sequence change affects codon 2192 of the RELN mRNA. It is a 'silent' change, meaning that it does not change the encoded amino acid sequence of the RELN protein. This variant is not present in population databases (gnomAD no frequency). This variant has not been reported in the literature in individuals affected with RELN-related conditions. ClinVar contains an entry for this variant (Variation ID: 657412). Algorithms developed to predict the effect of sequence changes on RNA splicing suggest that this variant may disrupt the consensus splice site. In summary, the available evidence is currently insufficient to determine the role of this variant in disease. Therefore, it has been classified as a Variant of Uncertain Significance.